The following is an entry in ClinVar:

NM_005633.4(SOS1):c.2660A>C (p.Asp887Ala)

Gene: SOS1 (SOS Ras/Rac guanine nucleotide exchange factor 1; minus strand). Cytogenetic location: 2p22.1.
Variant type: single nucleotide variant.
Coding change: c.2660A>C on transcript NM_005633.4 (MANE Select); coding-DNA position 2660, A replaced by C.
Protein change: p.Asp887Ala; replaces aspartic acid 887 with alanine.
Molecular consequence: missense variant.
Genome position (GRCh38, 1-based): chr2:39,007,044, T>G on the plus strand (A>C on the coding strand, the complement: SOS1 is on the minus strand). VCF-style: chr2-39007044-T-G. GRCh37 (hg19) VCF-style: chr2-39234185-T-G.
Other names: c.2639A>C, p.Asp880Ala (NM_001382394.1); c.2660A>C, p.Asp887Ala (NM_001382395.1); short protein forms D887A, D880A.
Identifiers: ClinVar variation 2061041 (VCV002061041.4), dbSNP rs2528968879, ClinGen allele CA346363336.

ClinVar aggregate classification (germline): Uncertain significance (1 of 4 stars; one submission).

Conditions:
RASopathy. Also called: Noonan spectrum disorder; rasopathies. Identifiers: Orphanet 536391, MedGen C5555857, MONDO:0021060.

Submission:

Labcorp Genetics (formerly Invitae), Labcorp
Classification: Uncertain significance for RASopathy. Last evaluated: 2024-10-07. Review status: criteria provided, single submitter. Criteria: Invitae Variant Classification Sherloc (09022015). Collection method: clinical testing. Allele origin: germline.
Comment: This sequence change replaces aspartic acid, which is acidic and polar, with alanine, which is neutral and non-polar, at codon 887 of the SOS1 protein (p.Asp887Ala). This variant is not present in population databases (gnomAD no frequency). This variant has not been reported in the literature in individuals affected with SOS1-related conditions. ClinVar contains an entry for this variant (Variation ID: 2061041). Invitae Evidence Modeling of protein sequence and biophysical properties (such as structural, functional, and spatial information, amino acid conservation, physicochemical variation, residue mobility, and thermodynamic stability) has been performed for this missense variant. However, the output from this modeling did not meet the statistical confidence thresholds required to predict the impact of this variant on SOS1 protein function. In summary, the available evidence is currently insufficient to determine the role of this variant in disease. Therefore, it has been classified as a Variant of Uncertain Significance.